The following is an entry in ClinVar:

ClinVar aggregate classification (germline): Uncertain significance. Review status: criteria provided, multiple submitters, no conflicts (2 of 4 stars). 2 submissions from 2 submitters: Uncertain significance (2). Last evaluated 2025-06-22.

Submissions (2):

Labcorp Genetics (formerly Invitae), Labcorp
Classification: Uncertain significance. Last evaluated: 2025-06-22. Review status: criteria provided, single submitter. Criteria: Invitae Variant Classification Sherloc (09022015). Collection method: clinical testing. Allele origin: germline.
Comment: This sequence change replaces glycine, which is neutral and non-polar, with glutamic acid, which is acidic and polar, at codon 580 of the CLCN4 protein (p.Gly580Glu). This variant is not present in population databases (gnomAD no frequency). This variant has not been reported in the literature in individuals affected with CLCN4-related conditions. Invitae Evidence Modeling of protein sequence and biophysical properties (such as structural, functional, and spatial information, amino acid conservation, physicochemical variation, residue mobility, and thermodynamic stability) has been performed for this missense variant. However, the output from this modeling did not meet the statistical confidence thresholds required to predict the impact of this variant on CLCN4 protein function. In summary, the available evidence is currently insufficient to determine the role of this variant in disease. Therefore, it has been classified as a Variant of Uncertain Significance.

GeneDx
Classification: Uncertain significance. Last evaluated: 2025-05-18. Review status: criteria provided, single submitter. Criteria: GeneDx Variant Classification Process June 2021. Collection method: clinical testing. Allele origin: germline. Affected: yes.
Comment: Not observed at significant frequency in large population cohorts (gnomAD); In silico analysis supports that this missense variant has a deleterious effect on protein structure/function; Has not been previously published as pathogenic or benign to our knowledge

NM_001830.4(CLCN4):c.1739G>A (p.Gly580Glu)

Gene: CLCN4 (chloride voltage-gated channel 4; plus strand). Cytogenetic location: Xp22.2.
Variant type: single nucleotide variant.
Coding change: c.1739G>A on transcript NM_001830.4 (MANE Select); coding-DNA position 1739, G replaced by A.
Protein change: p.Gly580Glu; replaces glycine 580 with glutamic acid.
Molecular consequence: missense variant.
Genome position (GRCh38, 1-based): chrX:10,213,843, G>A. VCF-style: chrX-10213843-G-A. GRCh37 (hg19) VCF-style: chrX-10181883-G-A.
Other names: c.1457G>A, p.Gly486Glu (NM_001256944.2); short protein forms G486E, G580E.
Identifiers: ClinVar variation 4530966 (VCV004530966.2).